The following is an entry in ClinVar:

NM_001174089.2(SLC4A11):c.897G>A (p.Pro299=)

Gene: SLC4A11 (solute carrier family 4 member 11; minus strand). Cytogenetic location: 20p13.
Variant type: single nucleotide variant.
Coding change: c.897G>A on transcript NM_001174089.2 (MANE Select); coding-DNA position 897, G replaced by A.
Protein change: p.Pro299=; no amino-acid change (proline 299 retained).
Molecular consequence: synonymous variant. On other transcripts: non-coding transcript variant (1).
Genome position (GRCh38, 1-based): chr20:3,231,381, C>T on the plus strand (G>A on the coding strand, the complement: SLC4A11 is on the minus strand). VCF-style: chr20-3231381-C-T. GRCh37 (hg19) VCF-style: chr20-3212027-C-T.
Other names: c.1026G>A, p.Pro342= (NM_001174090.2); c.897G>A, p.Pro299= (NM_001363745.2); c.945G>A, p.Pro315= (NM_032034.4).
Identifiers: ClinVar variation 766014 (VCV000766014.14), dbSNP rs200760447, ClinGen allele CA9742100.

ClinVar aggregate classification (germline): Likely benign. Review status: criteria provided, multiple submitters, no conflicts (2 of 4 stars). 4 submissions from 4 submitters: Likely benign (3). 1 of the submissions does not count toward it. Last evaluated 2025-11-19.

Conditions:
SLC4A11-related disorder. Also called: SLC4A11-related condition.
Corneal dystrophy-perceptive deafness syndrome (CDPD). Also called: CORNEAL DYSTROPHY AND SENSORINEURAL DEAFNESS; HARBOYAN SYNDROME. Identifiers: Orphanet 1490, MedGen C1857572, MONDO:0009015, OMIM 217400.

Allele frequency attached by ClinVar (database versions not stated): ESP Exome Variant Server 0.00008; gnomAD 0.00014 and 0.00015; TOPMed 0.00015; gnomAD exomes 0.00021 and 0.00028; ExAC 0.00024; 1000 Genomes Project 30x 0.00047; 1000 Genomes Project 0.00060.
gnomAD v4.1: 420 of 1,614,084 alleles (0.026%); highest among the groups gnomAD compares: Non-Finnish European, 0.034%; 1 homozygote.

Submissions (4):

Labcorp Genetics (formerly Invitae), Labcorp
Classification: Likely benign. Last evaluated: 2025-11-19. Review status: criteria provided, single submitter. Criteria: Invitae Variant Classification Sherloc (09022015). Collection method: clinical testing. Allele origin: germline.

PreventionGenetics, part of Exact Sciences
Classification: Likely benign for SLC4A11-related condition. Last evaluated: 2025-01-28. Review status: criteria provided, single submitter. Criteria: ACMG Guidelines, 2015. Collection method: clinical testing. Allele origin: germline.
Comment: This variant is classified as likely benign based on ACMG/AMP sequence variant interpretation guidelines (Richards et al. 2015 PMID: 25741868, with internal and published modifications).

Blueprint Genetics
Classification: Likely benign. Last evaluated: 2024-02-20. Review status: criteria provided, single submitter. Criteria: ACMG Guidelines, 2015. Collection method: clinical testing. Allele origin: germline.

Natera, Inc.
Classification: Benign for Harboyan syndrome. Last evaluated: 2020-05-01. Review status: no assertion criteria provided. Collection method: clinical testing. Allele origin: germline. Not counted in ClinVar's aggregate classification.